The following is an entry in ClinVar:

ClinVar aggregate classification (germline): VUS-high (1 of 4 stars; one submission).

Conditions:
LEOPARD syndrome 2 (LPRD2). Also called: RAF1-Related LEOPARD Syndrome. Identifiers: Orphanet 500, MedGen C1969056, MONDO:0012691, OMIM 611554.

Submission:

Clinical Genetics Laboratory, University Hospital Schleswig-Holstein
Classification: VUS-high for LEOPARD syndrome 2. Last evaluated: 2025-01-16. Review status: criteria provided, single submitter. Criteria: ACMG Guidelines, 2015. Collection method: clinical testing. Allele origin: germline. Affected: yes.
Comment: ACMG criteria applied: PM2, PP3, PM1_supporting, PP4

NM_002880.4(RAF1):c.1687C>G (p.Arg563Gly)

Gene: RAF1 (Raf-1 proto-oncogene, serine/threonine kinase; minus strand). Cytogenetic location: 3p25.2.
Variant type: single nucleotide variant.
Coding change: c.1687C>G on transcript NM_002880.4 (MANE Select); coding-DNA position 1687, C replaced by G.
Protein change: p.Arg563Gly; replaces arginine 563 with glycine.
Molecular consequence: missense variant. On other transcripts: non-coding transcript variant (3).
Genome position (GRCh38, 1-based): chr3:12,584,963, G>C on the plus strand (C>G on the coding strand, the complement: RAF1 is on the minus strand). VCF-style: chr3-12584963-G-C. GRCh37 (hg19) VCF-style: chr3-12626462-G-C.
Other names: c.1747C>G, p.Arg583Gly (NM_001354689.3); c.1687C>G, p.Arg563Gly (NM_001354690.3); c.1444C>G, p.Arg482Gly (NM_001354691.3, NM_001354692.3); c.1588C>G, p.Arg530Gly (NM_001354693.3); c.1504C>G, p.Arg502Gly (NM_001354694.3); c.1345C>G, p.Arg449Gly (NM_001354695.3); short protein forms R449G, R482G, R502G, R530G, R563G, R583G.
Identifiers: ClinVar variation 5042004 (VCV005042004.1).
Genomic context (GRCh38, chr3:12,584,963, plus strand): 5'-TCTTCATTGCTTTGGGGCAGTTCTTATATAGCTTACTAAGATCTGGGGAGGCATATCCTC[G>C]GCCCACCATGAAGATGATCTAAGGGAAAGAAAACAGCTGAGCTAATGGGGGGTGAATGAA-3'
Protein context (NP_002871.1, residues 553-573): NRDQIIFMVG[Arg563Gly]GYASPDLSKL